The following is an entry in ClinVar:

ClinVar aggregate classification (germline): Uncertain significance (1 of 4 stars; one submission).

Conditions:
Familial meningioma. Also called: Meningioma, familial, susceptibility to. Identifiers: Orphanet 263662, MedGen C3551915, MONDO:0011789, OMIM 607174.

Submission:

Labcorp Genetics (formerly Invitae), Labcorp
Classification: Uncertain significance for Familial meningioma. Last evaluated: 2021-08-01. Review status: criteria provided, single submitter. Criteria: Invitae Variant Classification Sherloc (09022015). Collection method: clinical testing. Allele origin: germline.
Comment: This variant has not been reported in the literature in individuals affected with SMARCE1-related conditions. This variant is not present in population databases (ExAC no frequency). This sequence change replaces glutamic acid with lysine at codon 288 of the SMARCE1 protein (p.Glu288Lys). The glutamic acid residue is moderately conserved and there is a small physicochemical difference between glutamic acid and lysine. Algorithms developed to predict the effect of missense changes on protein structure and function are either unavailable or do not agree on the potential impact of this missense change (SIFT: "Tolerated"; PolyPhen-2: "Possibly Damaging"; Align-GVGD: "Class C0"). In summary, the available evidence is currently insufficient to determine the role of this variant in disease. Therefore, it has been classified as a Variant of Uncertain Significance.

NM_003079.5(SMARCE1):c.862G>A (p.Glu288Lys)

Gene: SMARCE1 (SWI/SNF related BAF chromatin remodeling complex subunit E1; minus strand). Cytogenetic location: 17q21.2.
Variant type: single nucleotide variant.
Coding change: c.862G>A on transcript NM_003079.5 (MANE Select); coding-DNA position 862, G replaced by A.
Protein change: p.Glu288Lys; replaces glutamic acid 288 with lysine.
Molecular consequence: missense variant.
Genome position (GRCh38, 1-based): chr17:40,630,879, C>T on the plus strand (G>A on the coding strand, the complement: SMARCE1 is on the minus strand). VCF-style: chr17-40630879-C-T. GRCh37 (hg19) VCF-style: chr17-38787131-C-T.
Other names: short protein forms E288K.
Identifiers: ClinVar variation 1408593 (VCV001408593.6), dbSNP rs2143985106, ClinGen allele CA399363844.
Genomic context (GRCh38, chr17:40,630,879, plus strand): 5'-CGGCCTCCTTCTCCCTTTCCTCCTGCCTTTTGCGGGCCTGTTCCTCTGCCTGTGCAATCT[C>T]AGCTGCAATTTTCTCCATATCCACTTCTACTTTCAGACCGCACAACTAATCAGAAAAAAA-3'
Protein context (NP_003070.3, residues 278-298): VEVDMEKIAA[Glu288Lys]IAQAEEQARK